The following is an entry in ClinVar:

NM_005334.3(HCFC1):c.4687G>A (p.Gly1563Ser)

Gene: HCFC1 (host cell factor C1; minus strand). Cytogenetic location: Xq28.
Variant type: single nucleotide variant.
Coding change: c.4687G>A on transcript NM_005334.3 (MANE Select); coding-DNA position 4687, G replaced by A.
Protein change: p.Gly1563Ser; replaces glycine 1563 with serine.
Molecular consequence: missense variant.
Genome position (GRCh38, 1-based): chrX:153,952,769, C>T on the plus strand (G>A on the coding strand, the complement: HCFC1 is on the minus strand). VCF-style: chrX-153952769-C-T. GRCh37 (hg19) VCF-style: chrX-153218220-C-T.
Other names: c.4687G>A (NM_005334.2); short protein forms G1563S.
Identifiers: ClinVar variation 1026537 (VCV001026537.23), dbSNP rs782310209, ClinGen allele CA10556922.
Genomic context (GRCh38, chrX:153,952,769, plus strand): 5'-CTACTTCGGACTGTGTGGGTGGGGGTGGCTGGACCACCACAGTGGCCACCACCGCAGAGC[C>T]GGCAGACTCCTGGCCCGAAGATGGCTCCCCTGTGCTGCTCAGATCCACGGCGGCCGGGAG-3'
Protein context (NP_005325.2, residues 1553-1573): GEPSSGQESA[Gly1563Ser]SAVVATVVVQ

ClinVar aggregate classification (germline): Conflicting classifications of pathogenicity. Review status: criteria provided, conflicting classifications (1 of 4 stars). 3 submissions from 3 submitters: Uncertain significance (1); Likely benign (2). Last evaluated 2025-06-07.

Conditions:
Methylmalonic acidemia with homocystinuria, type cblX (MAHCX). Also called: INTELLECTUAL DEVELOPMENTAL DISORDER, X-LINKED 3. Identifiers: Orphanet 369962, MedGen C0796208, MONDO:0010657, OMIM 309541.
Inborn genetic diseases. Identifiers: MedGen C0950123, MeSH D030342.

Allele frequency attached by ClinVar (database versions not stated): 1000 Genomes Project 0.00026; 1000 Genomes Project 30x 0.00042; gnomAD exomes 0.00002 and 0.00003; TOPMed 0.00002; ExAC 0.00004; gnomAD 0.00005 and 0.00006.
gnomAD v4.1: 24 of 1,207,543 alleles (0.002%); highest among the groups gnomAD compares: Middle Eastern, 0.046%; no homozygotes.

Submissions (3):

Ambry Genetics
Classification: Likely benign for Inborn genetic diseases. Last evaluated: 2025-06-07. Review status: criteria provided, single submitter. Criteria: Ambry Variant Classification Scheme 2023. Collection method: clinical testing. Allele origin: germline.

CeGaT Center for Human Genetics Tuebingen
Classification: Likely benign. Last evaluated: 2024-07-01. Review status: criteria provided, single submitter. Criteria: CeGaT Center For Human Genetics Tuebingen Variant Classification Criteria Version 2. Collection method: clinical testing. Allele origin: germline. Affected: yes. Observed: 1 variant allele.
Comment: HCFC1: BP4, BS2

Labcorp Genetics (formerly Invitae), Labcorp
Classification: Uncertain significance for Methylmalonic acidemia with homocystinuria, type cblX. Last evaluated: 2021-08-28. Review status: criteria provided, single submitter. Criteria: Invitae Variant Classification Sherloc (09022015). Collection method: clinical testing. Allele origin: germline.
Comment: This sequence change replaces glycine with serine at codon 1563 of the HCFC1 protein (p.Gly1563Ser). The glycine residue is weakly conserved and there is a small physicochemical difference between glycine and serine. This variant is present in population databases (rs782310209, ExAC 0.04%). This variant has not been reported in the literature in individuals affected with HCFC1-related conditions. Algorithms developed to predict the effect of missense changes on protein structure and function output the following: SIFT: "Tolerated"; PolyPhen-2: "Benign"; Align-GVGD: "Class C0". The serine amino acid residue is found in multiple mammalian species, which suggests that this missense change does not adversely affect protein function. In summary, the available evidence is currently insufficient to determine the role of this variant in disease. Therefore, it has been classified as a Variant of Uncertain Significance.